The following is an entry in ClinVar:

NM_178844.4(NLRC3):c.199C>T (p.Arg67Cys)

Gene: NLRC3 (NLR family CARD domain containing 3; minus strand). Cytogenetic location: 16p13.3.
Variant type: single nucleotide variant.
Coding change: c.199C>T on transcript NM_178844.4 (MANE Select); coding-DNA position 199, C replaced by T.
Protein change: p.Arg67Cys; replaces arginine 67 with cysteine.
Molecular consequence: missense variant. On other transcripts: non-coding transcript variant (1).
Genome position (GRCh38, 1-based): chr16:3,564,738, G>A on the plus strand (C>T on the coding strand, the complement: NLRC3 is on the minus strand). VCF-style: chr16-3564738-G-A. GRCh37 (hg19) VCF-style: chr16-3614739-G-A.
Other names: short protein forms R67C.
Identifiers: ClinVar variation 2646111 (VCV002646111.24), dbSNP rs200354871, ClinGen allele CA7865149.

ClinVar aggregate classification (germline): Likely benign (1 of 4 stars; one submission).

Allele frequency attached by ClinVar (database versions not stated): ESP Exome Variant Server 0.00082; gnomAD 0.00123; TOPMed 0.00128; ExAC 0.00145.
gnomAD v4.1: 1,988 of 1,586,940 alleles (0.13%); highest among the groups gnomAD compares: Middle Eastern, 0.48%; 4 homozygotes.

Submission:

CeGaT Center for Human Genetics Tuebingen
Classification: Likely benign. Last evaluated: 2022-04-01. Review status: criteria provided, single submitter. Criteria: CeGaT Center For Human Genetics Tuebingen Variant Classification Criteria Version 2. Collection method: clinical testing. Allele origin: germline. Affected: yes. Observed: 1 variant allele.
Comment: NLRC3: BP4